The following is an entry in ClinVar:

NM_006767.4(LZTR1):c.787_788del (p.Lys263fs)

Gene: LZTR1 (leucine zipper like post translational regulator 1; plus strand). Cytogenetic location: 22q11.21.
Variant type: Deletion.
Coding change: c.787_788del on transcript NM_006767.4 (MANE Select); coding-DNA positions 787 to 788, 2 bases deleted (AA; older notation c.787_788delAA).
Protein change: p.Lys263fs; shifts the reading frame from lysine 263.
Molecular consequence: frameshift variant.
Genome position (GRCh38, 1-based): chr22:20,990,521-20,990,522, AA deleted. VCF-style (leftmost placement, unchanged base first): chr22-20990520-CAA-C. GRCh37 (hg19) VCF-style: chr22-21344809-CAA-C.
Other names: short protein forms K263fs.
Identifiers: ClinVar variation 1760968 (VCV001760968.7), dbSNP rs2518615928, ClinGen allele CA2580099206.

ClinVar aggregate classification (germline): Pathogenic. Review status: criteria provided, multiple submitters, no conflicts (2 of 4 stars). 2 submissions from 2 submitters: Pathogenic (2). Last evaluated 2025-03-05.

Conditions:
Hereditary cancer-predisposing syndrome. Also called: Neoplastic Syndromes, Hereditary; Tumor predisposition; Hereditary Cancer Syndrome; Hereditary neoplastic syndrome. Identifiers: Orphanet 140162, MedGen C0027672, MeSH D009386, MONDO:0015356.
Cardiovascular phenotype. Identifiers: MedGen CN230736.

Submissions (2):

Ambry Genetics
Classification: Pathogenic for Cardiovascular phenotype; Hereditary cancer-predisposing syndrome. Last evaluated: 2025-03-05. Review status: criteria provided, single submitter. Criteria: Ambry Variant Classification Scheme 2023. Collection method: clinical testing. Allele origin: germline.
Comment: The c.787_788delAA pathogenic mutation, located in coding exon 8 of the LZTR1 gene, results from a deletion of two nucleotides at nucleotide positions 787 to 788, causing a translational frameshift with a predicted alternate stop codon (p.K263Dfs*8). This alteration is expected to result in loss of function by premature protein truncation or nonsense-mediated mRNA decay. Loss-of-function variants in LZTR1 are related to an increased risk for schwannomas and autosomal recessive Noonan syndrome; however, such associations with autosomal dominant Noonan syndrome have not been observed (Piotrowski A et al. Nat Genet. 2014 Feb;46:182-7; Yamamoto GL et al. J Med Genet. 2015 Jun;52:413-21; Johnston JJ et al. Genet Med. 2018 10;20:1175-1185). Based on the supporting evidence, this variant is pathogenic for an increased risk of LZTR1-related schwannomatosis (SWN) and would be expected to cause autosomal recessive Noonan syndrome when present along with a second pathogenic or likely pathogenic variant on the other allele; however, the association of this alteration with autosomal dominant Noonan syndrome is unlikely.

Labcorp Genetics (formerly Invitae), Labcorp
Classification: Pathogenic. Last evaluated: 2023-01-23. Review status: criteria provided, single submitter. Criteria: Invitae Variant Classification Sherloc (09022015). Collection method: clinical testing. Allele origin: germline.
Comment: This sequence change creates a premature translational stop signal (p.Lys263Aspfs*8) in the LZTR1 gene. It is expected to result in an absent or disrupted protein product. Loss-of-function variants in LZTR1 are known to be pathogenic (PMID: 24362817, 25335493, 25480913, 25795793, 29469822, 30368668, 30442762, 30442766, 30481304, 30859559). This variant is not present in population databases (gnomAD no frequency). This variant has not been reported in the literature in individuals affected with LZTR1-related conditions. ClinVar contains an entry for this variant (Variation ID: 1760968). For these reasons, this variant has been classified as Pathogenic.

Literature cited by the submitters: PubMed 24362817 (cited by Labcorp Genetics (formerly Invitae), Labcorp); PubMed 25335493 (cited by Labcorp Genetics (formerly Invitae), Labcorp); PubMed 25480913 (cited by Labcorp Genetics (formerly Invitae), Labcorp); PubMed 25795793 (cited by Labcorp Genetics (formerly Invitae), Labcorp); PubMed 29469822 (cited by Labcorp Genetics (formerly Invitae), Labcorp); PubMed 30368668 (cited by Labcorp Genetics (formerly Invitae), Labcorp); PubMed 30442762 (cited by Labcorp Genetics (formerly Invitae), Labcorp); PubMed 30442766 (cited by Labcorp Genetics (formerly Invitae), Labcorp); PubMed 30481304 (cited by Labcorp Genetics (formerly Invitae), Labcorp); PubMed 30859559 (cited by Labcorp Genetics (formerly Invitae), Labcorp).